The following is an entry in ClinVar:

NM_000298.6(PKLR):c.100+403A>G

Gene: PKLR (pyruvate kinase L/R; minus strand). Cytogenetic location: 1q22.
Variant type: single nucleotide variant.
Coding change: c.100+403A>G on transcript NM_000298.6 (MANE Select); 403 bases into the intron after coding-DNA position 100, A replaced by G.
Molecular consequence: intron variant. On other transcripts: 5 prime UTR variant (1).
Genome position (GRCh38, 1-based): chr1:155,300,893, T>C on the plus strand (A>G on the coding strand, the complement: PKLR is on the minus strand). VCF-style: chr1-155300893-T-C. GRCh37 (hg19) VCF-style: chr1-155270684-T-C.
Other names: p.?; c.-6A>G (NM_181871.4).
Identifiers: ClinVar variation 4683510 (VCV004683510.1).

ClinVar aggregate classification (germline): Likely benign (1 of 4 stars; one submission).

gnomAD v4.1: 131 of 1,611,142 alleles (0.0081%); highest among the groups gnomAD compares: Admixed American, 0.023%; no homozygotes.

Submission:

Mayo Clinic Laboratories, Mayo Clinic
Classification: Likely benign. Last evaluated: 2025-04-29. Review status: criteria provided, single submitter. Criteria: ACMG Guidelines, 2015. Collection method: clinical testing. Allele origin: germline. Observed: 1 variant allele.
Comment: BP4, BP7, PM2_supporting